The following is an entry in ClinVar:

ClinVar aggregate classification (germline): Uncertain significance (1 of 4 stars; one submission).

Conditions:
Hereditary cancer-predisposing syndrome. Also called: Hereditary Cancer Syndrome; Hereditary neoplastic syndrome; Neoplastic Syndromes, Hereditary; Tumor predisposition. Identifiers: Orphanet 140162, MedGen C0027672, MeSH D009386, MONDO:0015356.

Submission:

Ambry Genetics
Classification: Uncertain significance for Hereditary cancer-predisposing syndrome. Last evaluated: 2025-06-06. Review status: criteria provided, single submitter. Criteria: Ambry Variant Classification Scheme 2023. Collection method: clinical testing. Allele origin: germline.
Comment: The p.E129G variant (also known as c.386A>G), located in coding exon 4 of the NF2 gene, results from an A to G substitution at nucleotide position 386. The glutamic acid at codon 129 is replaced by glycine, an amino acid with similar properties. This amino acid position is conserved. In addition, the in silico prediction for this alteration is inconclusive. Based on the available evidence, the clinical significance of this variant remains unclear.

NM_000268.4(NF2):c.386A>G (p.Glu129Gly)

Gene: NF2 (NF2, moesin-ezrin-radixin like (MERLIN) tumor suppressor; plus strand). Cytogenetic location: 22q12.2.
Variant type: single nucleotide variant.
Coding change: c.386A>G on transcript NM_000268.4 (MANE Select); coding-DNA position 386, A replaced by G.
Protein change: p.Glu129Gly; replaces glutamic acid 129 with glycine.
Molecular consequence: missense variant. On other transcripts: 5 prime UTR variant (1), non-coding transcript variant (1).
Genome position (GRCh38, 1-based): chr22:29,642,224, A>G. VCF-style: chr22-29642224-A-G. GRCh37 (hg19) VCF-style: chr22-30038213-A-G.
Other names: c.272A>G, p.Glu91Gly (NM_001407053.1, NM_001407056.1); c.263A>G, p.Glu88Gly (NM_001407054.1, NM_001407058.1, NM_001407062.1 and 1 more transcripts); c.260A>G, p.Glu87Gly (NM_001407055.1, NM_181828.3); c.386A>G, p.Glu129Gly (NM_001407057.1, NM_001407059.1, NM_001407060.1 and 5 more transcripts); c.137A>G, p.Glu46Gly (NM_001407063.1, NM_001407064.1, NM_181830.3 and 1 more transcripts); c.-255A>G (NM_001407065.1); c.155A>G, p.Glu52Gly (NM_001407067.1); short protein forms E129G, E87G, E52G, E46G, E88G, E91G.
Identifiers: ClinVar variation 3919169 (VCV003919169.1).